The following is an entry in ClinVar:

ClinVar aggregate classification (germline): Likely pathogenic (1 of 4 stars; one submission).

Allele frequency attached by ClinVar (database versions not stated): gnomAD exomes below 0.00001.
gnomAD v4.1: 4 of 1,611,906 alleles (0.00025%); highest among the groups gnomAD compares: Non-Finnish European, 0.00034%; no homozygotes.

Submission:

Labcorp Genetics (formerly Invitae), Labcorp
Classification: Likely pathogenic. Last evaluated: 2022-09-19. Review status: criteria provided, single submitter. Criteria: Invitae Variant Classification Sherloc (09022015). Collection method: clinical testing. Allele origin: germline.
Comment: In summary, the currently available evidence indicates that the variant is pathogenic, but additional data are needed to prove that conclusively. Therefore, this variant has been classified as Likely Pathogenic. Algorithms developed to predict the effect of sequence changes on RNA splicing suggest that this variant may disrupt the consensus splice site. ClinVar contains an entry for this variant (Variation ID: 1384244). This variant has not been reported in the literature in individuals affected with MYO18B-related conditions. This variant is not present in population databases (gnomAD no frequency). This sequence change affects a donor splice site in intron 39 of the MYO18B gene. It is expected to disrupt RNA splicing. Variants that disrupt the donor or acceptor splice site typically lead to a loss of protein function (PMID: 16199547), and loss-of-function variants in MYO18B are known to be pathogenic (PMID: 25748484, 32184166, 32637634).

Literature cited by the submitters: PubMed 16199547; PubMed 25748484; PubMed 32184166; PubMed 32637634.

NM_032608.7(MYO18B):c.6156+1G>A

Gene: MYO18B (myosin XVIIIB; plus strand). Cytogenetic location: 22q12.1.
Variant type: single nucleotide variant.
Coding change: c.6156+1G>A on transcript NM_032608.7 (MANE Select); the canonical splice donor site of the intron after coding-DNA position 6156, G replaced by A.
Molecular consequence: splice donor variant.
Genome position (GRCh38, 1-based): chr22:25,955,365, G>A. VCF-style: chr22-25955365-G-A. GRCh37 (hg19) VCF-style: chr22-26351331-G-A.
Other names: c.6159+1G>A (NM_001318245.2).
Identifiers: ClinVar variation 1384244 (VCV001384244.6), dbSNP rs758911181, ClinGen allele CA322799469.
Genomic context (GRCh38, chr22:25,955,365, plus strand): 5'-GCCGACATGGAAGAGCTGGTGCAGCGGGAGGCAGAGGCCAGCCGGCGGTGCATGGAGCTG[G>A]TGAGTCCTGTCCCCATCATGGGCTCTTAGCGACTGAGGGTTTGCAATGTGGTAGACCCCC-3'